The following is an entry in ClinVar:

NM_020338.4(ZMIZ1):c.1557dup (p.Met520fs)

Gene: ZMIZ1 (zinc finger MIZ-type containing 1; plus strand). Cytogenetic location: 10q22.3.
Variant type: Duplication.
Coding change: c.1557dup on transcript NM_020338.4 (MANE Select); coding-DNA position 1557, one base duplicated (C; older notation c.1557dupC).
Protein change: p.Met520fs; shifts the reading frame from methionine 520.
Molecular consequence: frameshift variant.
Genome position (GRCh38, 1-based): chr10:79,298,471, C duplicated; the last of 6 consecutive C bases (chr10:79,298,466-79,298,471); duplicating any one gives the same sequence. VCF-style (leftmost placement, unchanged base first): chr10-79298465-A-AC. GRCh37 (hg19) VCF-style: chr10-81058222-A-AC.
Other names: c.1557dup (NM_020338.3); short protein forms M520fs.
Identifiers: ClinVar variation 2692559 (VCV002692559.2), dbSNP rs2492115085, ClinGen allele CA2697558511.

ClinVar aggregate classification (germline): Pathogenic. Review status: criteria provided, multiple submitters, no conflicts (2 of 4 stars). 2 submissions from 2 submitters: Pathogenic (2). Last evaluated 2025-06-03.

Conditions:
Neurodevelopmental disorder with dysmorphic facies and distal skeletal anomalies. Identifiers: MedGen C5231448, MONDO:0032855, OMIM 618659.

Submissions (2):

GeneDx
Classification: Pathogenic. Last evaluated: 2025-06-03. Review status: criteria provided, single submitter. Criteria: GeneDx Variant Classification Process June 2021. Collection method: clinical testing. Allele origin: germline. Affected: yes.
Comment: Frameshift variant predicted to result in protein truncation or nonsense mediated decay in a gene for which loss of function is a known mechanism of disease; Not observed at significant frequency in large population cohorts (gnomAD); Has not been previously published as pathogenic or benign to our knowledge

Greenwood Genetic Center Diagnostic Laboratories, Greenwood Genetic Center
Classification: Pathogenic for Neurodevelopmental disorder with dysmorphic facies and distal skeletal anomalies. Last evaluated: 2023-10-18. Review status: criteria provided, single submitter. Criteria: ACMG Guidelines, 2015. Collection method: clinical testing. Allele origin: germline. Affected: yes.
Comment: PVS1, PS2, PM2